The following is an entry in ClinVar:

NM_004722.4(AP4M1):c.336_338del (p.Leu113del)

Gene: AP4M1 (adaptor related protein complex 4 subunit mu 1; plus strand). Cytogenetic location: 7q22.1.
Variant type: Deletion.
Coding change: c.336_338del on transcript NM_004722.4 (MANE Select); coding-DNA positions 336 to 338, 3 bases deleted (CCT; older notation c.336_338delCCT).
Protein change: p.Leu113del; deletes leucine 113.
Molecular consequence: inframe deletion.
Genome position (GRCh38, 1-based): chr7:100,102,945-100,102,947, CCT deleted; deleting any 3 consecutive bases within chr7:100,102,943-100,102,947 gives the same sequence; the c. name uses the placement nearest the transcript's 3' end. VCF-style (leftmost placement, unchanged base first): chr7-100102942-ACTC-A. GRCh37 (hg19) VCF-style: chr7-99700565-ACTC-A.
Other names: c.357_359del, p.Leu120del (NM_001363671.2); short protein forms L120del, L113del.
Identifiers: ClinVar variation 1377017 (VCV001377017.7), dbSNP rs2116630200, ClinGen allele CA2573141341.

ClinVar aggregate classification (germline): Uncertain significance (1 of 4 stars; one submission).

Conditions:
Hereditary spastic paraplegia 50 (SPG50). Also called: Spastic paraplegia 50, autosomal recessive. Identifiers: Orphanet 280763, MedGen C2752008, MONDO:0013048, OMIM 612936.

Submission:

Labcorp Genetics (formerly Invitae), Labcorp
Classification: Uncertain significance for Hereditary spastic paraplegia 50. Last evaluated: 2025-10-27. Review status: criteria provided, single submitter. Criteria: Invitae Variant Classification Sherloc (09022015). Collection method: clinical testing. Allele origin: germline.
Comment: This variant, c.336_338del, results in the deletion of 1 amino acid(s) of the AP4M1 protein (p.Leu113del), but otherwise preserves the integrity of the reading frame. This variant is not present in population databases (gnomAD no frequency). This variant has not been reported in the literature in individuals affected with AP4M1-related conditions. ClinVar contains an entry for this variant (Variation ID: 1377017). Experimental studies and prediction algorithms are not available or were not evaluated, and the functional significance of this variant is currently unknown. In summary, the available evidence is currently insufficient to determine the role of this variant in disease. Therefore, it has been classified as a Variant of Uncertain Significance.